The following is an entry in ClinVar:

NM_001365902.3(NFIX):c.28-1334A>T

Gene: NFIX (nuclear factor I X; plus strand). Cytogenetic location: 19p13.13.
Variant type: single nucleotide variant.
Coding change: c.28-1334A>T on transcript NM_001365902.3 (MANE Select); 1334 bases into the intron before coding-DNA position 28, A replaced by T.
Molecular consequence: intron variant.
Genome position (GRCh38, 1-based): chr19:13,023,687, A>T. VCF-style: chr19-13023687-A-T. GRCh37 (hg19) VCF-style: chr19-13134501-A-T.
Other names: c.28-1334A>T (NM_002501.4, NM_001365982.2); c.-947A>T (NM_001271043.2).
Identifiers: ClinVar variation 673573 (VCV000673573.1), dbSNP rs1058993, ClinGen allele CA305547055.
Genomic context (GRCh38, chr19:13,023,687, plus strand): 5'-TTTCTTTTTTTTTTTTTTTAAACTGGAAGAGGATGCACAGGGGAAGAAATTGAAAAAAAA[A>T]TTTTGTTGGCTTTTGTTTACCTGGCGTGTGTGGCAGCCGGCTCGCTCCCTCTCTCTGCTT-3'

ClinVar aggregate classification (germline): Likely benign (1 of 4 stars; one submission).

Allele frequency attached by ClinVar (database versions not stated): 1000 Genomes Project 0.02097; 1000 Genomes Project 30x 0.02217; gnomAD 0.02834 and 0.02902; TOPMed 0.03060.
gnomAD v4.1: 4,198 of 145,980 alleles (2.9%); highest among the groups gnomAD compares: Middle Eastern, 9.1%; 71 homozygotes.

Submission:

GeneDx
Classification: Likely benign. Last evaluated: 2018-06-16. Review status: criteria provided, single submitter. Criteria: GeneDx Variant Classification (06012015). Collection method: clinical testing. Allele origin: germline. Affected: yes.
Comment: This variant is considered likely benign or benign based on one or more of the following criteria: it is a conservative change, it occurs at a poorly conserved position in the protein, it is predicted to be benign by multiple in silico algorithms, and/or has population frequency not consistent with disease.